The following is an entry in ClinVar:

NM_000535.7(PMS2):c.1577A>G (p.Asp526Gly)

Gene: PMS2 (PMS1 homolog 2, mismatch repair system component; minus strand). Cytogenetic location: 7p22.1.
Variant type: single nucleotide variant.
Coding change: c.1577A>G on transcript NM_000535.7 (MANE Select); coding-DNA position 1577, A replaced by G.
Protein change: p.Asp526Gly; replaces aspartic acid 526 with glycine.
Molecular consequence: missense variant. On other transcripts: non-coding transcript variant (1).
Genome position (GRCh38, 1-based): chr7:5,987,188, T>C on the plus strand (A>G on the coding strand, the complement: PMS2 is on the minus strand). VCF-style: chr7-5987188-T-C. GRCh37 (hg19) VCF-style: chr7-6026819-T-C.
Other names: c.1172A>G, p.Asp391Gly (NM_001322003.2, NM_001322004.2, NM_001322005.2 and 1 more transcripts); c.1421A>G, p.Asp474Gly (NM_001322006.2); c.1259A>G, p.Asp420Gly (NM_001322007.2, NM_001322008.2); c.1016A>G, p.Asp339Gly (NM_001322010.2); c.644A>G, p.Asp215Gly (NM_001322011.2, NM_001322012.2); c.1004A>G, p.Asp335Gly (NM_001322013.2); c.1577A>G, p.Asp526Gly (NM_001322014.2); c.1268A>G, p.Asp423Gly (NM_001322015.2); short protein forms D526G, D215G, D339G, D423G, D335G, D391G, D420G, D474G.
Identifiers: ClinVar variation 187056 (VCV000187056.32), dbSNP rs143235330, ClinGen allele CA009897.

ClinVar aggregate classification (germline): Conflicting classifications of pathogenicity. Review status: criteria provided, conflicting classifications (1 of 4 stars). 10 submissions from 10 submitters: Uncertain significance (8); Benign (2). Last evaluated 2026-01-23.

Conditions:
PMS2-related disorder. Also called: PMS2-related condition.
Hereditary nonpolyposis colorectal neoplasms. Identifiers: MedGen C0009405, MeSH D003123.
Lynch syndrome 4 (LYNCH4). Also called: Colorectal cancer, hereditary nonpolyposis, type 4; Hereditary non-polyposis colorectal cancer, type 4. Identifiers: Orphanet 144, MedGen C1838333, MONDO:0013699, OMIM 614337. Disease mechanism: loss of function.
Mismatch repair cancer syndrome 4. Identifiers: MedGen C5436817, MONDO:0030843, OMIM 619101.
Hereditary cancer-predisposing syndrome. Also called: Neoplastic Syndromes, Hereditary; Tumor predisposition; Hereditary neoplastic syndrome; Hereditary Cancer Syndrome. Identifiers: Orphanet 140162, MedGen C0027672, MeSH D009386, MONDO:0015356.

Allele frequency attached by ClinVar (database versions not stated): gnomAD exomes below 0.00001 and 0.00002; ExAC 0.00003; TOPMed 0.00004; gnomAD 0.00006; ESP Exome Variant Server 0.00008.

Submissions (10):

PreventionGenetics, part of Exact Sciences
Classification: Uncertain significance for PMS2-related condition. Last evaluated: 2026-01-23. Review status: criteria provided, single submitter. Criteria: ACMG Guidelines, 2015. Collection method: clinical testing. Allele origin: germline.
Comment: The PMS2 c.1577A>G variant is predicted to result in the amino acid substitution p.Asp526Gly. This variant has been reported in individuals with colorectal cancer and prostate cancer (Pearlman et al. 2021. PubMed ID: 34250417; Matejcic et al. 2020. PubMed ID: 32832836). This variant is reported in 0.032% of alleles in individuals of African descent in gnomAD and has conflicting interpretations in ClinVar ranging from benign to uncertain (Variation ID: 187056). At this time, the clinical significance of this variant is uncertain due to the absence of conclusive functional and genetic evidence.

Labcorp Genetics (formerly Invitae), Labcorp
Classification: Benign for Hereditary nonpolyposis colorectal neoplasms. Last evaluated: 2025-11-17. Review status: criteria provided, single submitter. Criteria: Invitae Variant Classification Sherloc (09022015). Collection method: clinical testing. Allele origin: germline.

Ambry Genetics
Classification: Uncertain significance for Hereditary cancer-predisposing syndrome. Last evaluated: 2025-08-04. Review status: criteria provided, single submitter. Criteria: Ambry Variant Classification Scheme 2023. Collection method: clinical testing. Allele origin: germline.
Comment: The p.D526G variant (also known as c.1577A>G), located in coding exon 11 of the PMS2 gene, results from an A to G substitution at nucleotide position 1577. The aspartic acid at codon 526 is replaced by glycine, an amino acid with similar properties. This variant was identified in a cohort of 3,579 African males diagnosed with prostate cancer who underwent multi-gene panel testing of 19 DNA repair and cancer predisposition genes (Matejcic M et al. JCO Precis Oncol, 2020 Jan;4:32-43). This amino acid position is well conserved in available vertebrate species. In addition, this alteration is predicted to be tolerated by in silico analysis. Since supporting evidence is limited at this time, the clinical significance of this alteration remains unclear.

Color Diagnostics, LLC DBA Color Health
Classification: Benign for Hereditary cancer-predisposing syndrome. Last evaluated: 2024-10-17. Review status: criteria provided, single submitter. Criteria: ACMG Guidelines, 2015. Collection method: clinical testing. Allele origin: germline.

Fulgent Genetics
Classification: Uncertain significance for Lynch syndrome 4; Mismatch repair cancer syndrome 4. Last evaluated: 2024-06-05. Review status: criteria provided, single submitter. Criteria: ACMG Guidelines, 2015. Collection method: clinical testing. Allele origin: germline.

Women's Health and Genetics/Laboratory Corporation of America, LabCorp
Classification: Uncertain significance. Last evaluated: 2024-05-06. Review status: criteria provided, single submitter. Criteria: LabCorp Variant Classification Summary - May 2015. Collection method: clinical testing. Allele origin: germline.
Comment: Variant summary: PMS2 c.1577A>G (p.Asp526Gly) results in a non-conservative amino acid change in the encoded protein sequence. Three of five in-silico tools predict a benign effect of the variant on protein function. The variant allele was found at a frequency of 1.6e-05 in 251068 control chromosomes. The available data on variant occurrences in the general population are insufficient to allow any conclusion about variant significance. c.1577A>G has been reported in the literature in an individual affected with Colorectal Cancer without evidence of causality (Pearlman_2021). This report does not provide unequivocal conclusions about association of the variant with Hereditary Nonpolyposis Colorectal Cancer. To our knowledge, no experimental evidence demonstrating an impact on protein function has been reported. The following publication has been ascertained in the context of this evaluation (PMID: 34250417). ClinVar contains an entry for this variant (Variation ID: 187056). Based on the evidence outlined above, the variant was classified as uncertain significance.

Baylor Genetics
Classification: Uncertain significance for Lynch syndrome 4. Last evaluated: 2024-01-30. Review status: criteria provided, single submitter. Criteria: ACMG Guidelines, 2015. Collection method: clinical testing. Allele origin: unknown.

GeneDx
Classification: Uncertain significance. Last evaluated: 2023-04-28. Review status: criteria provided, single submitter. Criteria: GeneDx Variant Classification Process June 2021. Collection method: clinical testing. Allele origin: germline. Affected: yes.
Comment: In silico analysis supports that this missense variant has a deleterious effect on protein structure/function; Identified in an individual with a personal or family history suspicious for Lynch syndrome (Pearlman et al., 2021); This variant is associated with the following publications: (PMID: 34250417, 34680378)

Sema4
Classification: Uncertain significance for Hereditary cancer-predisposing syndrome. Last evaluated: 2021-12-07. Review status: criteria provided, single submitter. Criteria: Sema4 Curation Guidelines. Collection method: curation. Allele origin: germline.
Comment: The PMS2 c.1577A>G (p.D526G) variant has not been reported in the literature to our knowledge. It was observed in 8/24820 chromosomes of the African/African American subpopulation in the large and broad cohorts of the Genome Aggregation Database (PMID: 32461654). The variant has been reported in ClinVar (Variation ID 187056). Functional studies have not been performed, and in silico predictions of the variant's effect on protein function are inconclusive. The evidence is insufficient to meet ACMG/AMP criteria for classifying the variant as benign or pathogenic. Thus, the clinical significance of this variant is currently uncertain.

Genetic Services Laboratory, University of Chicago
Classification: Uncertain significance. Last evaluated: 2020-12-31. Review status: criteria provided, single submitter. Criteria: ACMG Guidelines, 2015. Collection method: clinical testing. Allele origin: germline. Affected: no.
Comment: DNA sequence analysis of the PMS2 gene demonstrated a sequence change, c.1577A>G, in exon 11 that results in an amino acid change, p.Asp526Gly. This sequence change does not appear to have been previously described in patients with PMS2-related disorders and has been described in the gnomAD database with a frequency of 0.032% in the African sub-population (dbSNP rs143235330). The p.Asp526Gly change affects a poorly conserved amino acid residue located in a domain of the PMS2 protein that is not known to be functional. The p.Asp526Gly substitution appears to be benign using several in-silico pathogenicity prediction tools (SIFT, PolyPhen2, Align GVGD, REVEL). Due to these contrasting evidences and the lack of functional studies, the clinical significance of the p.Asp526Gly change remains unknown at this time.

Literature cited by the submitters: PubMed 32832836 (cited by Ambry Genetics); PubMed 34250417 (cited by Women's Health and Genetics/Laboratory Corporation of America, LabCorp).